The following is an entry in ClinVar:

ClinVar aggregate classification (germline): Uncertain significance (1 of 4 stars; one submission).

Conditions:
Primary ciliary dyskinesia. Also called: Ciliary dyskinesia. Identifiers: Orphanet 244, MedGen C0008780, MONDO:0016575, HP:0012265.

Allele frequency attached by ClinVar (database versions not stated): gnomAD exomes below 0.00001; ExAC 0.00001; gnomAD 0.00001.
gnomAD v4.1: 2 of 1,415,450 alleles (0.00014%); highest among the groups gnomAD compares: South Asian, 0.0018%; no homozygotes.

Submission:

Labcorp Genetics (formerly Invitae), Labcorp
Classification: Uncertain significance for Primary ciliary dyskinesia. Last evaluated: 2024-02-17. Review status: criteria provided, single submitter. Criteria: Invitae Variant Classification Sherloc (09022015). Collection method: clinical testing. Allele origin: germline.
Comment: This sequence change replaces isoleucine, which is neutral and non-polar, with valine, which is neutral and non-polar, at codon 1991 of the DNAH8 protein (p.Ile1991Val). This variant is present in population databases (rs758528601, gnomAD 0.006%). This variant has not been reported in the literature in individuals affected with DNAH8-related conditions. ClinVar contains an entry for this variant (Variation ID: 2175287). Advanced modeling of protein sequence and biophysical properties (such as structural, functional, and spatial information, amino acid conservation, physicochemical variation, residue mobility, and thermodynamic stability) performed at Invitae indicates that this missense variant is not expected to disrupt DNAH8 protein function with a negative predictive value of 80%. In summary, the available evidence is currently insufficient to determine the role of this variant in disease. Therefore, it has been classified as a Variant of Uncertain Significance.

NM_001206927.2(DNAH8):c.5971A>G (p.Ile1991Val)

Gene: DNAH8 (dynein axonemal heavy chain 8; plus strand). Cytogenetic location: 6p21.2.
Variant type: single nucleotide variant.
Coding change: c.5971A>G on transcript NM_001206927.2 (MANE Select); coding-DNA position 5971, A replaced by G.
Protein change: p.Ile1991Val; replaces isoleucine 1991 with valine.
Molecular consequence: missense variant.
Genome position (GRCh38, 1-based): chr6:38,860,469, A>G. VCF-style: chr6-38860469-A-G. GRCh37 (hg19) VCF-style: chr6-38828245-A-G.
Other names: c.5320A>G, p.Ile1774Val (NM_001371.4); short protein forms I1991V, I1774V.
Identifiers: ClinVar variation 2175287 (VCV002175287.4), dbSNP rs758528601, ClinGen allele CA3789541.